The following is an entry in ClinVar:

NM_017849.4(TMEM127):c.*1723C>T

Gene: TMEM127 (transmembrane protein 127; minus strand). Cytogenetic location: 2q11.2.
Variant type: single nucleotide variant.
Coding change: c.*1723C>T on transcript NM_017849.4 (MANE Select); 1723 bases downstream of the stop codon, C replaced by T.
Molecular consequence: 3 prime UTR variant.
Genome position (GRCh38, 1-based): chr2:96,252,085, G>A on the plus strand (C>T on the coding strand, the complement: TMEM127 is on the minus strand). VCF-style: chr2-96252085-G-A. GRCh37 (hg19) VCF-style: chr2-96917823-G-A.
Other names: c.*1723C>T (NM_001193304.3).
Identifiers: ClinVar variation 337479 (VCV000337479.5), dbSNP rs551200730, ClinGen allele CA10614170.
Genomic context (GRCh38, chr2:96,252,085, plus strand): 5'-GCATCACATAGCAGGCAGCCTGCAGCCTTTCTTGCCTGAGAGAAGAGTCCAGAAGAGCAG[G>A]AGAGTCACCTTTGAACACACTCTGGCATCACAGCAGTGAACTGCAAGCAGCCACTGGCTC-3'

ClinVar aggregate classification (germline): Benign (1 of 4 stars; one submission).

Conditions:
Pheochromocytoma. Also called: MAX-Related Hereditary Paraganglioma-Pheochromocytoma Syndrome. Identifiers: Orphanet 29072, MedGen C0031511, MONDO:0008233, OMIM 171300, HP:0002666.

Allele frequency attached by ClinVar (database versions not stated): gnomAD exomes 0.00001; gnomAD 0.00005 and 0.00006; TOPMed 0.00005; 1000 Genomes Project 30x 0.00047; 1000 Genomes Project 0.00060.
gnomAD v4.1: 11 of 233,496 alleles (0.0047%); highest among the groups gnomAD compares: African/African-American, 0.02%; no homozygotes.

Submission:

Illumina Laboratory Services, Illumina
Classification: Benign for Pheochromocytoma. Last evaluated: 2018-01-12. Review status: criteria provided, single submitter. Criteria: ICSL Variant Classification Criteria 13 December 2019. Collection method: clinical testing. Allele origin: germline.
Comment: This variant was observed in the ICSL laboratory as part of a predisposition screen in an ostensibly healthy population. It had not been previously curated by ICSL or reported in the Human Gene Mutation Database (HGMD: prior to June 1st, 2018), and was therefore a candidate for classification through an automated scoring system. Utilizing variant allele frequency, disease prevalence and penetrance estimates, and inheritance mode, an automated score was calculated to assess if this variant is too frequent to cause the disease. Based on the score and internal cut-off values, a variant classified as benign is not then subjected to further curation. The score for this variant resulted in a classification of benign for this disease.